The following is an entry in ClinVar:

NM_014874.4(MFN2):c.349C>G (p.Leu117Val)

Gene: MFN2 (mitofusin 2; plus strand). Cytogenetic location: 1p36.22.
Variant type: single nucleotide variant.
Coding change: c.349C>G on transcript NM_014874.4 (MANE Select); coding-DNA position 349, C replaced by G.
Protein change: p.Leu117Val; replaces leucine 117 with valine.
Molecular consequence: missense variant.
Genome position (GRCh38, 1-based): chr1:11,996,193, C>G. VCF-style: chr1-11996193-C-G. GRCh37 (hg19) VCF-style: chr1-12056250-C-G.
Other names: c.349C>G, p.Leu117Val (NM_001127660.2); short protein forms L117V.
Identifiers: ClinVar variation 2770547 (VCV002770547.3), dbSNP rs2523010617, ClinGen allele CA338434168.
Genomic context (GRCh38, chr1:11,996,193, plus strand): 5'-TGACAGCTGTTACTTCCTTCTAGGACGAGCAATGGGAAGAGCACCGTGATCAATGCCATG[C>G]TCTGGGACAAAGTTCTGCCCTCTGGGATTGGCCACACCACCAATTGCTTCCTGCGGGTAG-3'
Protein context (NP_055689.1, residues 107-127): NGKSTVINAM[Leu117Val]WDKVLPSGIG

ClinVar aggregate classification (germline): Uncertain significance (1 of 4 stars; one submission).

Conditions:
Charcot-Marie-Tooth disease type 2. Also called: Charcot-Marie-Tooth type 2. Identifiers: Orphanet 64746, MedGen C0270914, MONDO:0018993.

Submission:

Labcorp Genetics (formerly Invitae), Labcorp
Classification: Uncertain significance for Charcot-Marie-Tooth disease type 2. Last evaluated: 2023-11-21. Review status: criteria provided, single submitter. Criteria: Invitae Variant Classification Sherloc (09022015). Collection method: clinical testing. Allele origin: germline.
Comment: This sequence change replaces leucine, which is neutral and non-polar, with valine, which is neutral and non-polar, at codon 117 of the MFN2 protein (p.Leu117Val). This variant is not present in population databases (gnomAD no frequency). This variant has not been reported in the literature in individuals affected with MFN2-related conditions. Advanced modeling of protein sequence and biophysical properties (such as structural, functional, and spatial information, amino acid conservation, physicochemical variation, residue mobility, and thermodynamic stability) performed at Invitae indicates that this missense variant is expected to disrupt MFN2 protein function with a positive predictive value of 95%. In summary, the available evidence is currently insufficient to determine the role of this variant in disease. Therefore, it has been classified as a Variant of Uncertain Significance.